The following is an entry in ClinVar:

ClinVar aggregate classification (germline): Uncertain significance. Review status: criteria provided, multiple submitters, no conflicts (2 of 4 stars). 2 submissions from 2 submitters: Uncertain significance (2). Last evaluated 2026-04-15.

Conditions:
Cardiovascular phenotype. Identifiers: MedGen CN230736.

Submissions (2):

Ambry Genetics
Classification: Uncertain significance for Cardiovascular phenotype. Last evaluated: 2026-04-15. Review status: criteria provided, single submitter. Criteria: Ambry Variant Classification Scheme 2023. Collection method: clinical testing. Allele origin: germline.

GeneDx
Classification: Uncertain significance. Last evaluated: 2026-03-21. Review status: criteria provided, single submitter. Criteria: GeneDx Variant Classification Process June 2021. Collection method: clinical testing. Allele origin: germline.
Comment: Not observed at significant frequency in large population cohorts (gnomAD); Missense variants in this gene are a common cause of disease and they are underrepresented in the general population; In silico analysis supports that this missense variant has a deleterious effect on protein structure/function; Has not been previously published as pathogenic or benign to our knowledge

NM_004333.6(BRAF):c.2242T>C (p.Cys748Arg)

Gene: BRAF (B-Raf proto-oncogene, serine/threonine kinase; minus strand). Cytogenetic location: 7q34.
Variant type: single nucleotide variant.
Coding change: c.2242T>C on transcript NM_004333.6 (MANE Select); coding-DNA position 2242, T replaced by C.
Protein change: p.Cys748Arg; replaces cysteine 748 with arginine.
Molecular consequence: missense variant. On other transcripts: intron variant (2).
Genome position (GRCh38, 1-based): chr7:140,734,656, A>G on the plus strand (T>C on the coding strand, the complement: BRAF is on the minus strand). VCF-style: chr7-140734656-A-G. GRCh37 (hg19) VCF-style: chr7-140434456-A-G.
Other names: c.2242T>C, p.Cys748Arg (NM_001354609.2); c.2362T>C, p.Cys788Arg (NM_001374244.1, NM_001374258.1); c.2251T>C, p.Cys751Arg (NM_001378467.1); c.2176T>C, p.Cys726Arg (NM_001378469.1); c.2140T>C, p.Cys714Arg (NM_001378470.1); c.2131T>C, p.Cys711Arg (NM_001378471.1); c.2086T>C, p.Cys696Arg (NM_001378472.1, NM_001378473.1); c.1978T>C, p.Cys660Arg (NM_001378475.1); and 1 more; short protein forms C660R, C696R, C711R, C714R, C726R, C748R, C751R, C788R.
Identifiers: ClinVar variation 4867682 (VCV004867682.2).